The following is an entry in ClinVar:

NM_000531.6(OTC):c.586del (p.Asp196fs)

Gene: OTC (ornithine transcarbamylase; plus strand). Cytogenetic location: Xp11.4.
Variant type: Deletion.
Coding change: c.586del on transcript NM_000531.6 (MANE Select); coding-DNA position 586, one base deleted (G; older notation c.586delG).
Protein change: p.Asp196fs; shifts the reading frame from aspartic acid 196.
Molecular consequence: frameshift variant.
Genome position (GRCh38, 1-based): chrX:38,403,663, G deleted; the last of 4 consecutive G bases (chrX:38,403,660-38,403,663); deleting any one gives the same sequence. VCF-style (leftmost placement, unchanged base first): chrX-38403659-CG-C. GRCh37 (hg19) VCF-style: chrX-38262912-CG-C.
Other names: short protein forms D196fs.
Identifiers: ClinVar variation 97256 (VCV000097256.2), dbSNP rs67294956, ClinGen allele CA224690.

ClinVar aggregate classification (germline): Pathogenic (0 of 4 stars; one submission).

Submission:

GenMed Metabolism Lab
Classification: Pathogenic. Review status: no assertion criteria provided. Collection method: not provided. Allele origin: unknown.
ClinVar note: Converted during submission from pathogenic to Pathogenic.